The following is an entry in ClinVar:

NM_005960.2(MUC3A):c.8173G>A (p.Ala2725Thr)

Gene: MUC3A (mucin 3A, cell surface associated; plus strand). Cytogenetic location: 7q22.1.
Variant type: single nucleotide variant.
Coding change: c.8173G>A on transcript NM_005960.2 (MANE Select); coding-DNA position 8173, G replaced by A.
Protein change: p.Ala2725Thr; replaces alanine 2725 with threonine.
Molecular consequence: missense variant.
Genome position (GRCh38, 1-based): chr7:100,959,952, G>A. VCF-style: chr7-100959952-G-A. GRCh37 (hg19) VCF-style: chr7-100552081-G-A.
Other names: short protein forms A2725T.
Identifiers: ClinVar variation 2657792 (VCV002657792.24), dbSNP rs373395245, ClinGen allele CA4397812.

ClinVar aggregate classification (germline): Likely benign (1 of 4 stars; one submission).

Allele frequency attached by ClinVar (database versions not stated): ExAC 0.00053; 1000 Genomes Project 30x 0.00109; ESP Exome Variant Server 0.00209.
gnomAD v4.1: 331 of 1,509,594 alleles (0.022%); highest among the groups gnomAD compares: African/African-American, 0.36%; no homozygotes.

Submission:

CeGaT Center for Human Genetics Tuebingen
Classification: Likely benign. Last evaluated: 2022-06-01. Review status: criteria provided, single submitter. Criteria: CeGaT Center For Human Genetics Tuebingen Variant Classification Criteria Version 2. Collection method: clinical testing. Allele origin: germline. Affected: yes. Observed: 1 variant allele.
Comment: MUC3A: BP4